The following is an entry in ClinVar:

ClinVar aggregate classification (germline): Conflicting classifications of pathogenicity. Review status: criteria provided, conflicting classifications (1 of 4 stars). 3 submissions from 3 submitters: Uncertain significance (2); Likely benign (1). Last evaluated 2026-03-10.

Conditions:
Inborn genetic diseases. Identifiers: MedGen C0950123, MeSH D030342.

Allele frequency attached by ClinVar (database versions not stated): TOPMed below 0.00001; gnomAD 0.00001; ExAC 0.00002; gnomAD exomes 0.00002.
gnomAD v4.1: 11 of 1,613,810 alleles (0.00068%); highest among the groups gnomAD compares: Non-Finnish European, 0.00093%; no homozygotes.

Submissions (3):

GeneDx
Classification: Uncertain significance. Last evaluated: 2026-03-10. Review status: criteria provided, single submitter. Criteria: GeneDx Variant Classification Process June 2021. Collection method: clinical testing. Allele origin: germline.
Comment: In silico analysis supports that this missense variant has a deleterious effect on protein structure/function; Has not been previously published as pathogenic or benign to our knowledge

Labcorp Genetics (formerly Invitae), Labcorp
Classification: Uncertain significance. Last evaluated: 2023-03-18. Review status: criteria provided, single submitter. Criteria: Invitae Variant Classification Sherloc (09022015). Collection method: clinical testing. Allele origin: germline.
Comment: This variant is present in population databases (rs775667283, gnomAD 0.004%). This sequence change replaces serine, which is neutral and polar, with asparagine, which is neutral and polar, at codon 895 of the CHD8 protein (p.Ser895Asn). This variant has not been reported in the literature in individuals affected with CHD8-related conditions. ClinVar contains an entry for this variant (Variation ID: 2085662). Advanced modeling of protein sequence and biophysical properties (such as structural, functional, and spatial information, amino acid conservation, physicochemical variation, residue mobility, and thermodynamic stability) performed at Invitae indicates that this missense variant is expected to disrupt CHD8 protein function. In summary, the available evidence is currently insufficient to determine the role of this variant in disease. Therefore, it has been classified as a Variant of Uncertain Significance.

Ambry Genetics
Classification: Likely benign for Inborn genetic diseases. Last evaluated: 2022-10-26. Review status: criteria provided, single submitter. Criteria: Ambry Variant Classification Scheme 2023. Collection method: clinical testing. Allele origin: germline.

NM_001170629.2(CHD8):c.2684G>A (p.Ser895Asn)

Gene: CHD8 (chromodomain helicase DNA binding protein 8; minus strand). Cytogenetic location: 14q11.2.
Variant type: single nucleotide variant.
Coding change: c.2684G>A on transcript NM_001170629.2 (MANE Select); coding-DNA position 2684, G replaced by A.
Protein change: p.Ser895Asn; replaces serine 895 with asparagine.
Molecular consequence: missense variant.
Genome position (GRCh38, 1-based): chr14:21,408,358, C>T on the plus strand (G>A on the coding strand, the complement: CHD8 is on the minus strand). VCF-style: chr14-21408358-C-T. GRCh37 (hg19) VCF-style: chr14-21876517-C-T.
Other names: c.1847G>A, p.Ser616Asn (NM_020920.4); short protein forms S616N, S895N.
Identifiers: ClinVar variation 2085662 (VCV002085662.6), dbSNP rs775667283, ClinGen allele CA7091524.